The following is an entry in ClinVar:

ClinVar aggregate classification (germline): Uncertain significance (1 of 4 stars; one submission).

Submission:

Labcorp Genetics (formerly Invitae), Labcorp
Classification: Uncertain significance. Last evaluated: 2018-12-20. Review status: criteria provided, single submitter. Criteria: Invitae Variant Classification Sherloc (09022015). Collection method: clinical testing. Allele origin: germline.
Comment: This sequence change replaces valine with leucine at codon 1431 of the POLE protein (p.Val1431Leu). The valine residue is moderately conserved and there is a small physicochemical difference between valine and leucine. This variant is not present in population databases (ExAC no frequency). This variant has not been reported in the literature in individuals with POLE-related conditions. Algorithms developed to predict the effect of missense changes on protein structure and function (SIFT, PolyPhen-2, Align-GVGD) all suggest that this variant is likely to be tolerated, but these predictions have not been confirmed by published functional studies and their clinical significance is uncertain. Algorithms developed to predict the effect of sequence changes on RNA splicing suggest that this variant may disrupt the consensus splice site, but this prediction has not been confirmed by published transcriptional studies. In summary, the available evidence is currently insufficient to determine the role of this variant in disease. Therefore, it has been classified as a Variant of Uncertain Significance.

NM_006231.4(POLE):c.4291G>C (p.Val1431Leu)

Gene: POLE (DNA polymerase epsilon, catalytic subunit; minus strand). Cytogenetic location: 12q24.33.
Variant type: single nucleotide variant.
Coding change: c.4291G>C on transcript NM_006231.4 (MANE Select); coding-DNA position 4291, G replaced by C.
Protein change: p.Val1431Leu; replaces valine 1431 with leucine.
Molecular consequence: missense variant.
Genome position (GRCh38, 1-based): chr12:132,643,560, C>G on the plus strand (G>C on the coding strand, the complement: POLE is on the minus strand). VCF-style: chr12-132643560-C-G. GRCh37 (hg19) VCF-style: chr12-133220146-C-G.
Other names: short protein forms V1431L.
Identifiers: ClinVar variation 643701 (VCV000643701.8), dbSNP rs1593735045, ClinGen allele CA387381629.
Genomic context (GRCh38, chr12:132,643,560, plus strand): 5'-GCTGTTTATTGACCACACACACACAGCCCAGGTGCACCAGGGCCCGGAACAGTAACGGAA[C>G]CTGGAAGAATCGGGCAGACAGGCCGGCAAGGGCTGGATGGTGGGGGCTCTGGCTGCCCAC-3'
Protein context (NP_006222.2, residues 1421-1441): PDIEGVYETQ[Val1431Leu]PLLFRALVHL